The following is an entry in ClinVar:

NM_002506.3(NGF):c.174G>A (p.Ala58=)

Genes: NGF (nerve growth factor; minus strand), NGF-AS1 (NGF antisense RNA 1; plus strand). Cytogenetic location: 1p13.2.
Variant type: single nucleotide variant.
Coding change: c.174G>A on transcript NM_002506.3 (MANE Select); coding-DNA position 174, G replaced by A.
Protein change: p.Ala58=; no amino-acid change (alanine 58 retained).
Molecular consequence: synonymous variant.
Genome position (GRCh38, 1-based): chr1:115,286,622, C>T on the plus strand (G>A on the coding strand, the complement: NGF is on the minus strand). VCF-style: chr1-115286622-C-T. GRCh37 (hg19) VCF-style: chr1-115829243-C-T.
Identifiers: ClinVar variation 526751 (VCV000526751.15), dbSNP rs147326889, ClinGen allele CA1023045.

ClinVar aggregate classification (germline): Conflicting classifications of pathogenicity. Review status: criteria provided, conflicting classifications (1 of 4 stars). 3 submissions from 3 submitters: Uncertain significance (1); Likely benign (1). 1 of the submissions does not count toward it. Last evaluated 2024-02-23.

Conditions:
Congenital sensory neuropathy with selective loss of small myelinated fibers (HSAN5). Also called: HSAN Type V. Identifiers: Orphanet 64752, MedGen C0020075, MONDO:0012092, OMIM 608654.
NGF-related disorder. Also called: NGF-related condition.

Allele frequency attached by ClinVar (database versions not stated): gnomAD 0.00001 and 0.00002; gnomAD exomes 0.00001 and 0.00003; TOPMed 0.00001; ExAC 0.00002; ESP Exome Variant Server 0.00008; 1000 Genomes Project 0.00020; 1000 Genomes Project 30x 0.00031.
gnomAD v4.1: 43 of 1,614,236 alleles (0.0027%); highest among the groups gnomAD compares: Middle Eastern, 0.18%; 1 homozygote.

Submissions (3):

Labcorp Genetics (formerly Invitae), Labcorp
Classification: Likely benign for Congenital sensory neuropathy with selective loss of small myelinated fibers. Last evaluated: 2024-02-23. Review status: criteria provided, single submitter. Criteria: Invitae Variant Classification Sherloc (09022015). Collection method: clinical testing. Allele origin: germline.

Illumina Laboratory Services, Illumina
Classification: Uncertain significance for Congenital sensory neuropathy with selective loss of small myelinated fibers. Last evaluated: 2017-04-27. Review status: criteria provided, single submitter. Criteria: ICSL Variant Classification Criteria 13 December 2019. Collection method: clinical testing. Allele origin: germline.

PreventionGenetics, part of Exact Sciences
Classification: Likely benign for NGF-related condition. Last evaluated: 2019-03-18. Review status: no assertion criteria provided. Collection method: clinical testing. Allele origin: germline. Not counted in ClinVar's aggregate classification.
Comment: This variant is classified as likely benign based on ACMG/AMP sequence variant interpretation guidelines (Richards et al. 2015 PMID: 25741868, with internal and published modifications).